The following is an entry in ClinVar:

NM_025137.4(SPG11):c.3037A>G (p.Lys1013Glu)

Gene: SPG11 (SPG11 vesicle trafficking associated, spatacsin; minus strand). Cytogenetic location: 15q21.1.
Variant type: single nucleotide variant.
Coding change: c.3037A>G on transcript NM_025137.4 (MANE Select); coding-DNA position 3037, A replaced by G.
Protein change: p.Lys1013Glu; replaces lysine 1013 with glutamic acid.
Molecular consequence: missense variant.
Genome position (GRCh38, 1-based): chr15:44,615,364, T>C on the plus strand (A>G on the coding strand, the complement: SPG11 is on the minus strand). VCF-style: chr15-44615364-T-C. GRCh37 (hg19) VCF-style: chr15-44907562-T-C.
Other names: p.Lys1013Glu; c.3037A>G, p.Lys1013Glu (NM_001160227.2); short protein forms K1013E.
Identifiers: ClinVar variation 194676 (VCV000194676.65), dbSNP rs111347025, ClinGen allele CA201295.
Genomic context (GRCh38, chr15:44,615,364, plus strand): 5'-CATATGCAAAGAGAAAATGTGAAGACCTGCTCAAGGACAAATGCATTCTCAGTACTCACT[T>C]GTAACAGTCAAGGTAGACATAAAGAAGATGCTGCAGACTGTGCTCCAAACAATAGAGAAT-3'
Protein context (NP_079413.3, residues 1003-1023): HLLYVYLDCY[Lys1013Glu]LSPENCPFLE

ClinVar aggregate classification (germline): Conflicting classifications of pathogenicity. Review status: criteria provided, conflicting classifications (1 of 4 stars). 16 submissions from 16 submitters: Uncertain significance (1); Benign (10); Likely benign (2). 3 of the submissions do not count toward it. Last evaluated 2026-09-01.

Conditions:
Amyotrophic lateral sclerosis (ALS). Also called: Lou Gehrig disease; Charcot disease. Identifiers: Orphanet 803, MedGen C0002736, MONDO:0004976, HP:0007354.
Hereditary spastic paraplegia. Also called: Familial spastic paraparesis. Identifiers: Orphanet 685, MedGen C0037773, MONDO:0019064. Disease mechanism: loss of function.
Hereditary spastic paraplegia 11. Also called: Spastic Paraplegia 11; Spastic paraplegia, mental retardation and thin corpus callosum; SPASTIC PARAPLEGIA, AUTOSOMAL RECESSIVE, COMPLICATED, WITH THIN CORPUS CALLOSUM; SPASTIC PARAPLEGIA, AUTOSOMAL RECESSIVE, WITH MENTAL IMPAIRMENT AND THIN CORPUS CALLOSUM; Nakamura Osame syndrome; Autosomal recessive hereditary spastic paraplegia, mental impairment, and thin corpus callosum. Identifiers: Orphanet 2822, MedGen C1858479, MONDO:0011445, OMIM 604360.

Allele frequency attached by ClinVar (database versions not stated): 1000 Genomes Project 0.00439; 1000 Genomes Project 30x 0.00468; gnomAD 0.00901 and 0.00958; ExAC 0.00993; gnomAD exomes 0.01021 and 0.01163; ESP Exome Variant Server 0.01024; TOPMed 0.01053.
gnomAD v4.1: 18,382 of 1,613,368 alleles (1.1%); highest among the groups gnomAD compares: Non-Finnish European, 1.3%; 137 homozygotes.

Submissions (30):

CeGaT Center for Human Genetics Tuebingen
Classification: Benign. Last evaluated: 2026-09-01. Review status: criteria provided, single submitter. Criteria: CeGaT Center For Human Genetics Tuebingen Variant Classification Criteria Version 2. Collection method: clinical testing. Allele origin: germline. Affected: yes. Observed: 117 variant alleles.
Comment: SPG11: BP4, BS1, BS2

Labcorp Genetics (formerly Invitae), Labcorp
Classification: Benign for Hereditary spastic paraplegia 11. Last evaluated: 2026-02-04. Review status: criteria provided, single submitter. Criteria: Invitae Variant Classification Sherloc (09022015). Collection method: clinical testing. Allele origin: germline.

Blueprint Genetics
Classification: Likely benign. Last evaluated: 2024-11-27. Review status: criteria provided, single submitter. Criteria: ACMG Guidelines, 2015. Collection method: clinical testing. Allele origin: germline.

Athena Diagnostics
Classification: Benign. Last evaluated: 2024-07-30. Review status: criteria provided, single submitter. Criteria: Athena Diagnostics Criteria. Collection method: clinical testing. Allele origin: unknown.

Women's Health and Genetics/Laboratory Corporation of America, LabCorp
Classification: Likely benign. Last evaluated: 2021-12-10. Review status: criteria provided, single submitter. Criteria: LabCorp Variant Classification Summary - May 2015. Collection method: clinical testing. Allele origin: germline.

Genome Diagnostics Laboratory, The Hospital for Sick Children
Classification: Benign for Hereditary spastic paraplegia. Last evaluated: 2021-10-12. Review status: criteria provided, single submitter. Criteria: ACMG Guidelines, 2015. Collection method: clinical testing. Allele origin: germline. Affected: yes.

UM ALS/MND Lab, University Of Malta
Classification: Uncertain significance for Amyotrophic lateral sclerosis. Last evaluated: 2020-09-09. Review status: criteria provided, single submitter. Criteria: ACMG Guidelines, 2015. Collection method: case-control. Allele origin: unknown. Affected: yes. Observed: 1 variant allele.
Comment: Single heterozygote

Illumina Laboratory Services, Illumina
Classification: Benign for Hereditary spastic paraplegia 11. Last evaluated: 2018-03-08. Review status: criteria provided, single submitter. Criteria: ICSL Variant Classification Criteria 13 December 2019. Collection method: clinical testing. Allele origin: germline.
Comment: This variant was observed as part of a predisposition screen in an ostensibly healthy population. A literature search was performed for the gene, cDNA change, and amino acid change (where applicable). Publications were found based on this search. The evidence from the literature, in combination with allele frequency data from public databases where available, was sufficient to rule this variant out of causing disease. Therefore, this variant is classified as benign.

GeneDx
Classification: Benign. Last evaluated: 2016-08-02. Review status: criteria provided, single submitter. Criteria: GeneDx Variant Classification (06012015). Collection method: clinical testing. Allele origin: germline. Affected: yes.
Comment: This variant is considered likely benign or benign based on one or more of the following criteria: it is a conservative change, it occurs at a poorly conserved position in the protein, it is predicted to be benign by multiple in silico algorithms, and/or has population frequency not consistent with disease.

Mayo Clinic Laboratories, Mayo Clinic
Classification: Benign. Last evaluated: 2016-04-08. Review status: criteria provided, single submitter. Criteria: ACMG Guidelines, 2015. Collection method: clinical testing. Allele origin: germline. Observed: 86 variant alleles.

Eurofins Ntd Llc (ga)
Classification: Benign. Last evaluated: 2015-03-04. Review status: criteria provided, single submitter. Criteria: EGL Classification Definitions 2015. Collection method: clinical testing. Allele origin: germline. Observed: 1 variant allele, 1 heterozygote.

Genome Diagnostics Laboratory, University Medical Center Utrecht
Classification: Benign for Hereditary spastic paraplegia 11. Last evaluated: 2014-10-09. Review status: criteria provided, single submitter. Criteria: ACGS Guidelines, 2013. Collection method: clinical testing. Allele origin: germline. Affected: yes. Study: VKGL Data-share Consensus.

Broad Center for Mendelian Genomics, Broad Institute of MIT and Harvard
Classification: Benign for Hereditary spastic paraplegia 11. Review status: criteria provided, single submitter. Criteria: ACMG Guidelines, 2015. Collection method: research. Allele origin: germline. Inheritance: Autosomal recessive inheritance. Affected: yes.
Comment: The heterozygous p.Lys1013Glu variant in SPG11 has been identified in 2 individuals with spastic paraplegia and no other variant identified in the gene (PMID: 23733235), but has also been identified in >1% of European (non-Finnish) chromosomes and 19 homozygotes by ExAC. In summary, this variant meets criteria to be classified as benign for spastic paraplegia.

Genome Diagnostics Laboratory, Amsterdam University Medical Center
Classification: Benign for Hereditary spastic paraplegia 11. Last evaluated: 2017-03-16. Review status: no assertion criteria provided. Criteria: ACGS Guidelines, 2013. Collection method: clinical testing. Allele origin: germline. Affected: yes. Study: VKGL Data-share Consensus. Not counted in ClinVar's aggregate classification.

Clinical Genetics, Academic Medical Center
Classification: Benign. Review status: no assertion criteria provided. Collection method: clinical testing. Allele origin: germline. Affected: yes. Study: VKGL Data-share Consensus. Not counted in ClinVar's aggregate classification.

Diagnostic Laboratory, Department of Genetics, University Medical Center Groningen
Classification: Benign for Hereditary spastic paraplegia 11. Review status: no assertion criteria provided. Collection method: clinical testing. Allele origin: germline. Affected: yes. Study: VKGL Data-share Consensus. Not counted in ClinVar's aggregate classification.

Dr. Peter K. Rogan Lab, Western University
No classification provided (evidence only). Condition: Clear cell carcinoma of kidney. Review status: no classification provided. Collection method: in vitro. Allele origin: not applicable. Functional consequence: retained intron. Not counted in ClinVar's aggregate classification.

Dr. Peter K. Rogan Lab, Western University
No classification provided (evidence only). Condition: Melanoma. Review status: no classification provided. Collection method: in vitro. Allele origin: not applicable. Functional consequence: retained intron. Not counted in ClinVar's aggregate classification.

Dr. Peter K. Rogan Lab, Western University
No classification provided (evidence only). Condition: Acute myeloid leukemia. Review status: no classification provided. Collection method: in vitro. Allele origin: not applicable. Functional consequence: retained intron. Not counted in ClinVar's aggregate classification.

Dr. Peter K. Rogan Lab, Western University
No classification provided (evidence only). Condition: Acute myeloid leukemia. Review status: no classification provided. Collection method: in vitro. Allele origin: not applicable. Functional consequence: retained intron. Not counted in ClinVar's aggregate classification.

Dr. Peter K. Rogan Lab, Western University
No classification provided (evidence only). Condition: Acute myeloid leukemia. Review status: no classification provided. Collection method: in vitro. Allele origin: not applicable. Functional consequence: skipped exon, retained intron. Not counted in ClinVar's aggregate classification.

Dr. Peter K. Rogan Lab, Western University
No classification provided (evidence only). Condition: Thyroid cancer, nonmedullary, 1. Review status: no classification provided. Collection method: in vitro. Allele origin: not applicable. Functional consequence: retained intron. Not counted in ClinVar's aggregate classification.

Dr. Peter K. Rogan Lab, Western University
No classification provided (evidence only). Condition: Thyroid cancer, nonmedullary, 1. Review status: no classification provided. Collection method: in vitro. Allele origin: not applicable. Functional consequence: retained intron. Not counted in ClinVar's aggregate classification.

Dr. Peter K. Rogan Lab, Western University
No classification provided (evidence only). Condition: Thyroid cancer, nonmedullary, 1. Review status: no classification provided. Collection method: in vitro. Allele origin: not applicable. Functional consequence: retained intron. Not counted in ClinVar's aggregate classification.

Dr. Peter K. Rogan Lab, Western University
No classification provided (evidence only). Condition: Hepatocellular carcinoma. Review status: no classification provided. Collection method: in vitro. Allele origin: not applicable. Functional consequence: retained intron. Not counted in ClinVar's aggregate classification.

Dr. Peter K. Rogan Lab, Western University
No classification provided (evidence only). Condition: Nonpapillary renal cell carcinoma. Review status: no classification provided. Collection method: in vitro. Allele origin: not applicable. Functional consequence: retained intron. Not counted in ClinVar's aggregate classification.

Dr. Peter K. Rogan Lab, Western University
No classification provided (evidence only). Condition: Ovarian serous cystadenocarcinoma. Review status: no classification provided. Collection method: in vitro. Allele origin: not applicable. Functional consequence: retained intron. Not counted in ClinVar's aggregate classification.

Dr. Peter K. Rogan Lab, Western University
No classification provided (evidence only). Condition: Gastric cancer. Review status: no classification provided. Collection method: in vitro. Allele origin: not applicable. Functional consequence: retained intron. Not counted in ClinVar's aggregate classification.

Dr. Peter K. Rogan Lab, Western University
No classification provided (evidence only). Condition: Malignant tumor of esophagus. Review status: no classification provided. Collection method: in vitro. Allele origin: not applicable. Functional consequence: retained intron. Not counted in ClinVar's aggregate classification.

Dr. Peter K. Rogan Lab, Western University
No classification provided (evidence only). Condition: Malignant tumor of esophagus. Review status: no classification provided. Collection method: in vitro. Allele origin: not applicable. Functional consequence: retained intron. Not counted in ClinVar's aggregate classification.

Literature cited by the submitters: PubMed 27904835 (cited by Athena Diagnostics and Illumina Laboratory Services, Illumina); PubMed 25588603 (cited by Athena Diagnostics and Illumina Laboratory Services, Illumina); PubMed 19466474 (cited by Athena Diagnostics); PubMed 23733235 (cited by 3 submitters); PubMed 24833714 (cited by Athena Diagnostics and Illumina Laboratory Services, Illumina).